The following is an entry in ClinVar:

NM_000059.4(BRCA2):c.9466C>G (p.Gln3156Glu)

Gene: BRCA2 (BRCA2 DNA repair associated; plus strand). Cytogenetic location: 13q13.1.
Variant type: single nucleotide variant.
Coding change: c.9466C>G on transcript NM_000059.4 (MANE Select); coding-DNA position 9466, C replaced by G.
Protein change: p.Gln3156Glu; replaces glutamine 3156 with glutamic acid.
Molecular consequence: missense variant. On other transcripts: non-coding transcript variant (1).
Genome position (GRCh38, 1-based): chr13:32,394,898, C>G. VCF-style: chr13-32394898-C-G. GRCh37 (hg19) VCF-style: chr13-32969035-C-G.
Other names: c.9370C>G, p.Gln3124Glu (NM_001406719.1); c.9415C>G, p.Gln3139Glu (NM_001406720.1); c.4534C>G, p.Gln1512Glu (NM_001406721.1); c.3049C>G, p.Gln1017Glu (NM_001406722.1); short protein forms Q1017E, Q1512E, Q3124E, Q3156E, Q3139E.
Identifiers: ClinVar variation 2781976 (VCV002781976.3), dbSNP rs276174925, ClinGen allele CA387761724.

ClinVar aggregate classification (germline): Uncertain significance (1 of 4 stars; one submission).

Conditions:
Hereditary breast ovarian cancer syndrome. Also called: Hereditary breast and ovarian cancer syndrome; Hereditary breast and ovarian cancer syndrome (HBOC); Hereditary breast and/or ovarian cancer syndrome; Breast and ovarian cancer; Hereditary breast and ovarian cancer; BRCA1- and BRCA2-Associated Hereditary Breast and Ovarian Cancer. Identifiers: Orphanet 145, MedGen C0677776, MeSH D061325, MONDO:0003582. Disease mechanism: loss of function.

Submission:

Labcorp Genetics (formerly Invitae), Labcorp
Classification: Uncertain significance for Hereditary breast ovarian cancer syndrome. Last evaluated: 2023-12-12. Review status: criteria provided, single submitter. Criteria: Invitae Variant Classification Sherloc (09022015). Collection method: clinical testing. Allele origin: germline.
Comment: This sequence change replaces glutamine, which is neutral and polar, with glutamic acid, which is acidic and polar, at codon 3156 of the BRCA2 protein (p.Gln3156Glu). This variant is not present in population databases (gnomAD no frequency). This variant has not been reported in the literature in individuals affected with BRCA2-related conditions. Advanced modeling of protein sequence and biophysical properties (such as structural, functional, and spatial information, amino acid conservation, physicochemical variation, residue mobility, and thermodynamic stability) performed at Invitae indicates that this missense variant is not expected to disrupt BRCA2 protein function with a negative predictive value of 95%. In summary, the available evidence is currently insufficient to determine the role of this variant in disease. Therefore, it has been classified as a Variant of Uncertain Significance.